The following is an entry in ClinVar:

ClinVar aggregate classification (germline): Uncertain significance. Review status: criteria provided, multiple submitters, no conflicts (2 of 4 stars). 2 submissions from 2 submitters: Uncertain significance (2). Last evaluated 2023-09-11.

Conditions:
Frontotemporal dementia and/or amyotrophic lateral sclerosis 7 (FTDALS7). Also called: Amyotrophic lateral sclerosis 17; CHMP2B-related frontotemporal dementia; CHMP2B-Related Frontotemporal Dementia-Amyotrophic Lateral Sclerosis; AMYOTROPHIC LATERAL SCLEROSIS, CHMP2B-RELATED. Identifiers: Orphanet 275864, Orphanet 282, Orphanet 803, MedGen C1833296, MONDO:0010936, OMIM 600795.

Allele frequency attached by ClinVar (database versions not stated): gnomAD exomes 0.00001 and 0.00003; gnomAD 0.00003 and 0.00004; TOPMed 0.00003; ESP Exome Variant Server 0.00008.
gnomAD v4.1: 46 of 1,613,546 alleles (0.0029%); highest among the groups gnomAD compares: Admixed American, 0.005%; no homozygotes.

Submissions (2):

Labcorp Genetics (formerly Invitae), Labcorp
Classification: Uncertain significance for Frontotemporal dementia and/or amyotrophic lateral sclerosis 7. Last evaluated: 2023-09-11. Review status: criteria provided, single submitter. Criteria: Invitae Variant Classification Sherloc (09022015). Collection method: clinical testing. Allele origin: germline.
Comment: In summary, the available evidence is currently insufficient to determine the role of this variant in disease. Therefore, it has been classified as a Variant of Uncertain Significance. This missense change has been observed in individual(s) with amyotrophic lateral sclerosis (PMID: 23155438). An algorithm developed to predict the effect of missense changes on protein structure and function (PolyPhen-2) suggests that this variant is likely to be disruptive. ClinVar contains an entry for this variant (Variation ID: 1430692). This variant is present in population databases (rs374277596, gnomAD 0.003%). This sequence change replaces threonine, which is neutral and polar, with isoleucine, which is neutral and non-polar, at codon 83 of the CHMP2B protein (p.Thr83Ile).

Mendelics
Classification: Uncertain significance. Last evaluated: 2022-05-04. Review status: criteria provided, single submitter. Criteria: Mendelics Assertion Criteria 2019. Collection method: clinical testing. Allele origin: germline.

Literature cited by the submitters: PubMed 23155438 (cited by Labcorp Genetics (formerly Invitae), Labcorp).

NM_014043.4(CHMP2B):c.248C>T (p.Thr83Ile)

Gene: CHMP2B (charged multivesicular body protein 2B; plus strand). Cytogenetic location: 3p11.2.
Variant type: single nucleotide variant.
Coding change: c.248C>T on transcript NM_014043.4 (MANE Select); coding-DNA position 248, C replaced by T.
Protein change: p.Thr83Ile; replaces threonine 83 with isoleucine.
Molecular consequence: missense variant.
Genome position (GRCh38, 1-based): chr3:87,245,835, C>T. VCF-style: chr3-87245835-C-T. GRCh37 (hg19) VCF-style: chr3-87294985-C-T.
Other names: c.125C>T, p.Thr42Ile (NM_001244644.2); short protein forms T83I, T42I.
Identifiers: ClinVar variation 1430692 (VCV001430692.7), dbSNP rs374277596, ClinGen allele CA79034948.